The following is an entry in ClinVar:

NM_000155.4(GALT):c.376T>C (p.Cys126Arg)

Gene: GALT (galactose-1-phosphate uridylyltransferase; plus strand). Cytogenetic location: 9p13.3.
Variant type: single nucleotide variant.
Coding change: c.376T>C on transcript NM_000155.4 (MANE Select); coding-DNA position 376, T replaced by C.
Protein change: p.Cys126Arg; replaces cysteine 126 with arginine.
Molecular consequence: missense variant. On other transcripts: intron variant (1).
Genome position (GRCh38, 1-based): chr9:34,647,704, T>C. VCF-style: chr9-34647704-T-C. GRCh37 (hg19) VCF-style: chr9-34647701-T-C.
Other names: p.Cys126Arg; c.51-128T>C (NM_001258332.2); short protein forms C126R.
Identifiers: ClinVar variation 3379860 (VCV003379860.1).

ClinVar aggregate classification (germline): Uncertain significance (1 of 4 stars; one submission).

Submission:

Mayo Clinic Laboratories, Mayo Clinic
Classification: Uncertain significance. Last evaluated: 2024-02-26. Review status: criteria provided, single submitter. Criteria: ACMG Guidelines, 2015. Collection method: clinical testing. Allele origin: germline. Observed: 1 variant allele.
Comment: PP3, PP4, PM2